The following is an entry in ClinVar:

ClinVar aggregate classification (germline): Conflicting classifications of pathogenicity. Review status: criteria provided, conflicting classifications (1 of 4 stars). 3 submissions from 3 submitters: Uncertain significance (1); Likely benign (1). 1 of the submissions does not count toward it. Last evaluated 2026-01-27.

Conditions:
FRAS1-related disorder. Also called: FRAS1-related condition.
Fraser syndrome 1 (FRASRS1). Also called: CRYPTOPHTHALMOS WITH OTHER MALFORMATIONS. Identifiers: Orphanet 2052, MedGen C4551480, MONDO:0054737, OMIM 219000.

Allele frequency attached by ClinVar (database versions not stated): ESP Exome Variant Server 0.00025.
gnomAD v4.1: 183 of 1,613,442 alleles (0.011%); highest among the groups gnomAD compares: Admixed American, 0.015%; no homozygotes.

Submissions (3):

Labcorp Genetics (formerly Invitae), Labcorp
Classification: Likely benign. Last evaluated: 2026-01-27. Review status: criteria provided, single submitter. Criteria: Invitae Variant Classification Sherloc (09022015). Collection method: clinical testing. Allele origin: germline.

Fulgent Genetics
Classification: Uncertain significance for Fraser syndrome 1. Last evaluated: 2024-06-18. Review status: criteria provided, single submitter. Criteria: ACMG Guidelines, 2015. Collection method: clinical testing. Allele origin: germline.

PreventionGenetics, part of Exact Sciences
Classification: Likely benign for FRAS1-related condition. Last evaluated: 2024-07-09. Review status: no assertion criteria provided. Collection method: clinical testing. Allele origin: germline. Not counted in ClinVar's aggregate classification.
Comment: This variant is classified as likely benign based on ACMG/AMP sequence variant interpretation guidelines (Richards et al. 2015 PMID: 25741868, with internal and published modifications).

NM_025074.7(FRAS1):c.11881C>T (p.Arg3961Trp)

Gene: FRAS1 (Fraser extracellular matrix complex subunit 1; plus strand). Cytogenetic location: 4q21.21.
Variant type: single nucleotide variant.
Coding change: c.11881C>T on transcript NM_025074.7 (MANE Select); coding-DNA position 11881, C replaced by T.
Protein change: p.Arg3961Trp; replaces arginine 3961 with tryptophan.
Molecular consequence: missense variant.
Genome position (GRCh38, 1-based): chr4:78,540,966, C>T. VCF-style: chr4-78540966-C-T. GRCh37 (hg19) VCF-style: chr4-79462120-C-T.
Other names: c.11881C>T (NM_025074.6); short protein forms R3961W.
Identifiers: ClinVar variation 2905547 (VCV002905547.5), dbSNP rs200693022, ClinGen allele CA2979319.